The following is an entry in ClinVar:

NM_000059.4(BRCA2):c.976_977delinsTT

Gene: BRCA2 (BRCA2 DNA repair associated; plus strand). Cytogenetic location: 13q13.1.
Variant type: Indel.
Coding change: c.976_977delinsTT on transcript NM_000059.4 (MANE Select); coding-DNA positions 976 to 977, AG replaced by TT.
Genome position (GRCh38, 1-based): chr13:32,332,454-32,332,455, AG replaced by TT. VCF-style: chr13-32332454-AG-TT. GRCh37 (hg19) VCF-style: chr13-32906591-AG-TT.
Other names: c.976_977delinsTT, p.Ser326Phe (LRG_293t1).
Identifiers: ClinVar variation 630781 (VCV000630781.5), dbSNP rs1566222509, ClinGen allele CA913188589.

ClinVar aggregate classification (germline): Uncertain significance (1 of 4 stars; one submission).

Conditions:
Hereditary cancer-predisposing syndrome. Also called: Tumor predisposition; Neoplastic Syndromes, Hereditary; Hereditary neoplastic syndrome; Hereditary Cancer Syndrome. Identifiers: Orphanet 140162, MedGen C0027672, MeSH D009386, MONDO:0015356.

Submission:

Color Diagnostics, LLC DBA Color Health
Classification: Uncertain significance for Hereditary cancer-predisposing syndrome. Last evaluated: 2023-12-05. Review status: criteria provided, single submitter. Criteria: ACMG Guidelines, 2015. Collection method: clinical testing. Allele origin: germline.
Comment: This missense variant replaces serine with phenylalanine at codon 326 of the BRCA2 protein. To our knowledge, functional studies have not been reported for this variant. This variant has not been reported in individuals affected with BRCA2-related disorders in the literature. This variant has not been identified in the general population by the Genome Aggregation Database (gnomAD). The available evidence is insufficient to determine the role of this variant in disease conclusively. Therefore, this variant is classified as a Variant of Uncertain Significance.